The following is an entry in ClinVar:

Conditions:
Breast-ovarian cancer, familial, susceptibility to, 1 (BROVCA1). Also called: BRCA1 Hereditary Breast and Ovarian Cancer; OVARIAN CANCER, SUSCEPTIBILITY TO. Identifiers: Orphanet 145, MedGen C2676676, MONDO:0011450, OMIM 604370. Disease mechanism: loss of function.

Submission:

Brotman Baty Institute, University of Washington
No classification provided (evidence only). Condition: Breast-ovarian cancer, familial 1. Review status: no classification provided. Collection method: in vitro. Allele origin: not applicable. Functional consequence: function_uncertain_variant.
ClinVar note: "not provided" was previously submitted as the classification for the variant. However, the classification appeared to be based only on an observation of functional data so it was converted to no classification on 2025-07-30.

NM_007294.4(BRCA1):c.5205A>C (p.Glu1735Asp)

Gene: BRCA1 (BRCA1 DNA repair associated; minus strand). Cytogenetic location: 17q21.31.
Variant type: single nucleotide variant.
Coding change: c.5205A>C on transcript NM_007294.4 (MANE Select); coding-DNA position 5205, A replaced by C.
Protein change: p.Glu1735Asp; replaces glutamic acid 1735 with aspartic acid.
Molecular consequence: missense variant. On other transcripts: non-coding transcript variant (1).
Genome position (GRCh38, 1-based): chr17:43,057,124, T>G on the plus strand (A>C on the coding strand, the complement: BRCA1 is on the minus strand). VCF-style: chr17-43057124-T-G. GRCh37 (hg19) VCF-style: chr17-41209141-T-G.
Other names: c.4992A>C, p.Glu1664Asp (NM_001407571.1, NM_001407900.1, NM_001407902.1 and 12 more transcripts); c.5271A>C, p.Glu1757Asp (NM_001407581.1, NM_001407582.1); c.5268A>C, p.Glu1756Asp (NM_001407583.1, NM_001407585.1, NM_001407587.1 and 1 more transcripts); c.5265A>C, p.Glu1755Asp (NM_001407590.1, NM_001407591.1); c.5205A>C, p.Glu1735Asp (NM_001407593.1, NM_001407594.1, NM_001407596.1 and 7 more transcripts); c.5202A>C, p.Glu1734Asp (NM_001407610.1, NM_001407611.1, NM_001407612.1 and 17 more transcripts); c.5199A>C, p.Glu1733Asp (NM_001407629.1, NM_001407630.1, NM_001407631.1 and 14 more transcripts); c.5145A>C, p.Glu1715Asp (NM_001407649.1); and 72 more; short protein forms E1688D, E1735D, E1756D, E631D, E1438D, E1622D, E1663D, E1665D.
Identifiers: ClinVar variation 867516 (VCV000867516.3), dbSNP rs431825412, ClinGen allele CA10591125.